The following is an entry in ClinVar:

NM_000051.4(ATM):c.7163T>C (p.Leu2388Pro)

Genes: ATM (ATM serine/threonine kinase; plus strand), C11orf65 (chromosome 11 open reading frame 65; minus strand). Cytogenetic location: 11q22.3.
Variant type: single nucleotide variant.
Coding change: c.7163T>C on transcript NM_000051.4 (MANE Select); coding-DNA position 7163, T replaced by C.
Protein change: p.Leu2388Pro; replaces leucine 2388 with proline.
Molecular consequence: missense variant. On other transcripts: intron variant (2).
Genome position (GRCh38, 1-based): chr11:108,329,094, T>C. VCF-style: chr11-108329094-T-C. GRCh37 (hg19) VCF-style: chr11-108199821-T-C.
Other names: c.7163T>C, p.Leu2388Pro (NM_001351834.2); c.641-20023A>G (NM_001330368.2); c.*38+6126A>G (NM_001351110.2); short protein forms L2388P.
Identifiers: ClinVar variation 4825507 (VCV004825507.1).

ClinVar aggregate classification (germline): Uncertain significance (1 of 4 stars; one submission).

Conditions:
Hereditary cancer-predisposing syndrome. Also called: Tumor predisposition; Hereditary neoplastic syndrome; Hereditary Cancer Syndrome; Neoplastic Syndromes, Hereditary. Identifiers: Orphanet 140162, MedGen C0027672, MeSH D009386, MONDO:0015356.

Submission:

Ambry Genetics
Classification: Uncertain significance for Hereditary cancer-predisposing syndrome. Last evaluated: 2026-01-26. Review status: criteria provided, single submitter. Criteria: Ambry Variant Classification Scheme 2023. Collection method: clinical testing. Allele origin: germline.
Comment: The p.L2388P variant (also known as c.7163T>C), located in coding exon 48 of the ATM gene, results from a T to C substitution at nucleotide position 7163. The leucine at codon 2388 is replaced by proline, an amino acid with similar properties. This amino acid position is conserved. In addition, this alteration is predicted to be deleterious by in silico analysis. Based on the available evidence, the clinical significance of this variant remains unclear.